The following is an entry in ClinVar:

ClinVar aggregate classification (germline): Likely benign (0 of 4 stars; one submission).

Conditions:
ZFR-related disorder. Also called: ZFR-related condition.

Allele frequency attached by ClinVar (database versions not stated): gnomAD 0.00003; gnomAD exomes 0.00006; ExAC 0.00007; ESP Exome Variant Server 0.00015.
gnomAD v4.1: 97 of 1,611,564 alleles (0.006%); highest among the groups gnomAD compares: Non-Finnish European, 0.0076%; no homozygotes.

Submission:

PreventionGenetics, part of Exact Sciences
Classification: Likely benign for ZFR-related condition. Last evaluated: 2019-04-11. Review status: no assertion criteria provided. Collection method: clinical testing. Allele origin: germline.
Comment: This variant is classified as likely benign based on ACMG/AMP sequence variant interpretation guidelines (Richards et al. 2015 PMID: 25741868, with internal and published modifications).

NM_016107.5(ZFR):c.1569C>T (p.Thr523=)

Gene: ZFR (zinc finger RNA binding protein; minus strand). Cytogenetic location: 5p13.3.
Variant type: single nucleotide variant.
Coding change: c.1569C>T on transcript NM_016107.5 (MANE Select); coding-DNA position 1569, C replaced by T.
Protein change: p.Thr523=; no amino-acid change (threonine 523 retained).
Molecular consequence: synonymous variant. On other transcripts: non-coding transcript variant (1).
Genome position (GRCh38, 1-based): chr5:32,400,151, G>A on the plus strand (C>T on the coding strand, the complement: ZFR is on the minus strand). VCF-style: chr5-32400151-G-A. GRCh37 (hg19) VCF-style: chr5-32400256-G-A.
Identifiers: ClinVar variation 3058517 (VCV003058517.2), dbSNP rs142273368, ClinGen allele CA3221785.
Genomic context (GRCh38, chr5:32,400,151, plus strand): 5'-GTCTTGCTTTACTTCAGGAATCTGCACAGCAGAAGTGACAGGAGTACTTTTAACACATTC[G>A]GTTCCTTTTATGTCTTCTGCTTTATTTCCTGTTGACTGCAGCTTATTACCACCTAGAAAA-3'
Protein context (NP_057191.2, residues 513-533): TGNKAEDIKG[Thr523=]ECVKSTPVTS